The following is an entry in ClinVar:

NM_020232.5(PSMG2):c.229+5G>A

Gene: PSMG2 (proteasome assembly chaperone 2; plus strand). Cytogenetic location: 18p11.21.
Variant type: single nucleotide variant.
Coding change: c.229+5G>A on transcript NM_020232.5 (MANE Select); 5 bases into the intron after coding-DNA position 229, G replaced by A.
Molecular consequence: intron variant.
Genome position (GRCh38, 1-based): chr18:12,706,726, G>A. VCF-style: chr18-12706726-G-A. GRCh37 (hg19) VCF-style: chr18-12706725-G-A.
Other names: c.136+5G>A (NM_147163.2); c.229+5G>A (NM_020232.4).
Identifiers: ClinVar variation 1523742 (VCV001523742.9), dbSNP rs373478831, ClinGen allele CA8898316.
Genomic context (GRCh38, chr18:12,706,726, plus strand): 5'-CAATCCATATGCGACCACAGAAGGAAATTCAACAGAACTTAGCATAAATGCTGAAGGTAT[G>A]TAAGACTTTACCTTGTATTTTTCCACTACAAAGTAGAGTTGTTTTAAATTAGAAATAGAC-3'

ClinVar aggregate classification (germline): Uncertain significance. Review status: criteria provided, single submitter (1 of 4 stars). 2 submissions from 2 submitters: Uncertain significance (1). 1 of the submissions does not count toward it. Last evaluated 2025-09-07.

Conditions:
PSMG2-related disorder. Also called: PSMG2-related condition.

Allele frequency attached by ClinVar (database versions not stated): gnomAD exomes 0.00002 and 0.00004; gnomAD 0.00030 and 0.00034; ESP Exome Variant Server 0.00031; TOPMed 0.00034.
gnomAD v4.1: 87 of 1,592,074 alleles (0.0055%); highest among the groups gnomAD compares: African/African-American, 0.098%; no homozygotes.

Submissions (3):

Labcorp Genetics (formerly Invitae), Labcorp
Classification: Uncertain significance. Last evaluated: 2025-09-07. Review status: criteria provided, single submitter. Criteria: Invitae Variant Classification Sherloc (09022015). Collection method: clinical testing. Allele origin: germline.
Comment: This sequence change falls in intron 2 of the PSMG2 gene. It does not directly change the encoded amino acid sequence of the PSMG2 protein. It affects a nucleotide within the consensus splice site. This variant is present in population databases (rs373478831, gnomAD 0.08%), and has an allele count higher than expected for a pathogenic variant. This variant has not been reported in the literature in individuals affected with PSMG2-related conditions. ClinVar contains an entry for this variant (Variation ID: 1523742). Variants that disrupt the consensus splice site are a relatively common cause of aberrant splicing (PMID: 17576681, 9536098). Algorithms developed to predict the effect of sequence changes on RNA splicing suggest that this variant is not likely to affect RNA splicing. In summary, the available evidence is currently insufficient to determine the role of this variant in disease. Therefore, it has been classified as a Variant of Uncertain Significance.

PreventionGenetics, part of Exact Sciences
Classification: Likely benign for PSMG2-related condition. Last evaluated: 2023-10-18. Review status: no assertion criteria provided. Collection method: clinical testing. Allele origin: germline. Not counted in ClinVar's aggregate classification.
Comment: This variant is classified as likely benign based on ACMG/AMP sequence variant interpretation guidelines (Richards et al. 2015 PMID: 25741868, with internal and published modifications).

Dr. Peter K. Rogan Lab, Western University
No classification provided (evidence only). Condition: Cervical cancer. Review status: no classification provided. Collection method: in vitro. Allele origin: not applicable. Functional consequence: skipped exon. Not counted in ClinVar's aggregate classification.

Literature cited by the submitters: PubMed 17576681 (cited by Labcorp Genetics (formerly Invitae), Labcorp); PubMed 9536098 (cited by Labcorp Genetics (formerly Invitae), Labcorp).